The following is an entry in ClinVar:

ClinVar aggregate classification (germline): Uncertain significance (1 of 4 stars; one submission).

Submission:

Labcorp Genetics (formerly Invitae), Labcorp
Classification: Uncertain significance. Last evaluated: 2024-11-13. Review status: criteria provided, single submitter. Criteria: Invitae Variant Classification Sherloc (09022015). Collection method: clinical testing. Allele origin: germline.
Comment: This sequence change replaces arginine, which is basic and polar, with threonine, which is neutral and polar, at codon 1352 of the BRWD3 protein (p.Arg1352Thr). This variant is not present in population databases (gnomAD no frequency). This variant has not been reported in the literature in individuals affected with BRWD3-related conditions. Invitae Evidence Modeling of protein sequence and biophysical properties (such as structural, functional, and spatial information, amino acid conservation, physicochemical variation, residue mobility, and thermodynamic stability) indicates that this missense variant is not expected to disrupt BRWD3 protein function with a negative predictive value of 95%. In summary, the available evidence is currently insufficient to determine the role of this variant in disease. Therefore, it has been classified as a Variant of Uncertain Significance.

NM_153252.5(BRWD3):c.4055G>C (p.Arg1352Thr)

Gene: BRWD3 (bromodomain and WD repeat domain containing 3; minus strand). Cytogenetic location: Xq21.1.
Variant type: single nucleotide variant.
Coding change: c.4055G>C on transcript NM_153252.5 (MANE Select); coding-DNA position 4055, G replaced by C.
Protein change: p.Arg1352Thr; replaces arginine 1352 with threonine.
Molecular consequence: missense variant.
Genome position (GRCh38, 1-based): chrX:80,685,487, C>G on the plus strand (G>C on the coding strand, the complement: BRWD3 is on the minus strand). VCF-style: chrX-80685487-C-G. GRCh37 (hg19) VCF-style: chrX-79940986-C-G.
Other names: short protein forms R1352T.
Identifiers: ClinVar variation 3635011 (VCV003635011.2).